The following is an entry in ClinVar:

NM_022124.6(CDH23):c.2093T>G (p.Leu698Arg)

Gene: CDH23 (cadherin related 23; plus strand). Cytogenetic location: 10q22.1.
Variant type: single nucleotide variant.
Coding change: c.2093T>G on transcript NM_022124.6 (MANE Select); coding-DNA position 2093, T replaced by G.
Protein change: p.Leu698Arg; replaces leucine 698 with arginine.
Molecular consequence: missense variant.
Genome position (GRCh38, 1-based): chr10:71,690,501, T>G. VCF-style: chr10-71690501-T-G. GRCh37 (hg19) VCF-style: chr10-73450258-T-G.
Other names: c.2093T>G, p.Leu698Arg (NM_001171930.2, NM_001171931.2); short protein forms L698R.
Identifiers: ClinVar variation 3710798 (VCV003710798.1).

ClinVar aggregate classification (germline): Uncertain significance (1 of 4 stars; one submission).

gnomAD v4.1: 1 of 1,610,764 alleles (0.000062%); highest among the groups gnomAD compares: Admixed American, 0.0017%; no homozygotes.

Submission:

Labcorp Genetics (formerly Invitae), Labcorp
Classification: Uncertain significance. Last evaluated: 2024-12-17. Review status: criteria provided, single submitter. Criteria: Invitae Variant Classification Sherloc (09022015). Collection method: clinical testing. Allele origin: germline.
Comment: This sequence change replaces leucine, which is neutral and non-polar, with arginine, which is basic and polar, at codon 698 of the CDH23 protein (p.Leu698Arg). This variant is not present in population databases (gnomAD no frequency). This variant has not been reported in the literature in individuals affected with CDH23-related conditions. Invitae Evidence Modeling of protein sequence and biophysical properties (such as structural, functional, and spatial information, amino acid conservation, physicochemical variation, residue mobility, and thermodynamic stability) has been performed for this missense variant. However, the output from this modeling did not meet the statistical confidence thresholds required to predict the impact of this variant on CDH23 protein function. In summary, the available evidence is currently insufficient to determine the role of this variant in disease. Therefore, it has been classified as a Variant of Uncertain Significance.